The following is an entry in ClinVar:

ClinVar aggregate classification (germline): Uncertain significance (1 of 4 stars; one submission).

gnomAD v4.1: 4 of 1,611,452 alleles (0.00025%); highest among the groups gnomAD compares: South Asian, 0.0044%; no homozygotes.

Submission:

CeGaT Center for Human Genetics Tuebingen
Classification: Uncertain significance. Last evaluated: 2026-08-01. Review status: criteria provided, single submitter. Criteria: CeGaT Center For Human Genetics Tuebingen Variant Classification Criteria Version 2. Collection method: clinical testing. Allele origin: germline. Affected: yes. Observed: 1 variant allele.
Comment: SHANK1: PM2:Supporting

NM_016148.5(SHANK1):c.5684G>A (p.Arg1895Gln)

Gene: SHANK1 (SH3 and multiple ankyrin repeat domains 1; minus strand). Cytogenetic location: 19q13.33.
Variant type: single nucleotide variant.
Coding change: c.5684G>A on transcript NM_016148.5 (MANE Select); coding-DNA position 5684, G replaced by A.
Protein change: p.Arg1895Gln; replaces arginine 1895 with glutamine.
Molecular consequence: missense variant.
Genome position (GRCh38, 1-based): chr19:50,666,276, C>T on the plus strand (G>A on the coding strand, the complement: SHANK1 is on the minus strand). VCF-style: chr19-50666276-C-T. GRCh37 (hg19) VCF-style: chr19-51169533-C-T.
Other names: short protein forms R1895Q.
Identifiers: ClinVar variation 5040361 (VCV005040361.1).